The following is an entry in ClinVar:

NM_003919.3(SGCE):c.232+3A>G

Genes: CASD1 (CAS1 domain sialic acid O acetyltransferase 1; plus strand), SGCE (sarcoglycan epsilon; minus strand). Cytogenetic location: 7q21.3.
Variant type: single nucleotide variant.
Coding change: c.232+3A>G on transcript NM_003919.3 (MANE Select); 3 bases into the intron after coding-DNA position 232, A replaced by G.
Molecular consequence: intron variant.
Genome position (GRCh38, 1-based): chr7:94,629,716, T>C on the plus strand (A>G on the coding strand, the complement: SGCE is on the minus strand). VCF-style: chr7-94629716-T-C. GRCh37 (hg19) VCF-style: chr7-94259028-T-C.
Other names: c.110-1357A>G (NM_001362809.2, NM_001301139.2); c.232+3A>G (NM_001346717.2, NM_001099400.2, NM_001099401.2); c.340+3A>G (NM_001346715.2, NM_001346713.2); c.145+3A>G (NM_001362807.2, NM_001346719.2); c.-42+3A>G (NM_001362808.2, NM_001346720.2).
Identifiers: ClinVar variation 1198259 (VCV001198259.4), dbSNP rs2116971996, ClinGen allele CA2499219071.
Genomic context (GRCh38, chr7:94,629,716, plus strand): 5'-TTATGCAAATTAAACAAAAAATTTAGTACGTTAACTGCTTTTTTTTCCTCACAAAGAACA[T>C]ACCAGGTTTTGGGTAAGGTGGAAATTCCCCCTTAAAATATTCTCTTTCCAAAACATGAAC-3'

ClinVar aggregate classification (germline): Uncertain significance. Review status: criteria provided, multiple submitters, no conflicts (2 of 4 stars). 2 submissions from 2 submitters: Uncertain significance (2). Last evaluated 2024-10-29.

Conditions:
Myoclonic dystonia 11 (DYT11). Also called: DYT-SGCE; Myoclonic dystonia; Dystonia 11; Dystonia, alcohol responsive; Hereditary essential myoclonus; SGCE Myoclonus-Dystonia. Identifiers: Orphanet 36899, MedGen C1834570, MONDO:0008044, OMIM 159900.

Allele frequency attached by ClinVar (database versions not stated): gnomAD exomes below 0.00001.
gnomAD v4.1: 1 of 1,610,788 alleles (0.000062%); highest among the groups gnomAD compares: African/African-American, 0.0013%; no homozygotes.

Submissions (2):

GeneDx
Classification: Uncertain significance. Last evaluated: 2024-10-29. Review status: criteria provided, single submitter. Criteria: GeneDx Variant Classification Process June 2021. Collection method: clinical testing. Allele origin: germline. Affected: yes.
Comment: Not observed at significant frequency in large population cohorts (gnomAD); In silico analysis supports a deleterious effect on splicing; Has not been previously published as pathogenic or benign to our knowledge

Institute of Medical Genetics and Applied Genomics, University Hospital Tübingen
Classification: Uncertain significance for Myoclonic dystonia 11. Last evaluated: 2023-04-25. Review status: criteria provided, single submitter. Criteria: ACMG Guidelines, 2015. Collection method: clinical testing. Allele origin: germline. Affected: yes.